The following is an entry in ClinVar:

ClinVar aggregate classification (germline): Likely benign (1 of 4 stars; one submission).

Submission:

GeneDx
Classification: Likely benign. Last evaluated: 2021-05-12. Review status: criteria provided, single submitter. Criteria: GeneDx Variant Classification Process June 2021. Collection method: clinical testing. Allele origin: germline. Affected: yes.
Comment: See Variant Classification Assertion Criteria.

NM_181507.2(HPS5):c.824+183A>T

Gene: HPS5 (HPS5 biogenesis of lysosomal organelles complex 2 subunit 2; minus strand). Cytogenetic location: 11p15.1.
Variant type: single nucleotide variant.
Coding change: c.824+183A>T on transcript NM_181507.2 (MANE Select); 183 bases into the intron after coding-DNA position 824, A replaced by T.
Molecular consequence: intron variant.
Genome position (GRCh38, 1-based): chr11:18,305,952, T>A on the plus strand (A>T on the coding strand, the complement: HPS5 is on the minus strand). VCF-style: chr11-18305952-T-A. GRCh37 (hg19) VCF-style: chr11-18327499-T-A.
Other names: c.482+183A>T (NM_001440929.1, NM_181508.2, NM_001440921.1 and 10 more transcripts); c.713+183A>T (NM_001440915.1, NM_001440914.1, NM_001440913.1); c.824+183A>T (NM_001440931.1, NM_001440917.1, NM_001440906.1 and 5 more transcripts); c.749+183A>T (NM_001440907.1, NM_001440909.1, NM_001440908.1); c.612-459A>T (NM_001440919.1); c.638+183A>T (NM_001440918.1).
Identifiers: ClinVar variation 4813952 (VCV004813952.1).
Genomic context (GRCh38, chr11:18,305,952, plus strand): 5'-GCTAAATTTTGTTTGTATTTTTGGTAGAGACGGGGTTTCACCGCGTTAGTCAGGATGGTC[T>A]CGATCTCCTGACCTCAAGATCCGCCTGCCACAGCCTCCCAAAGTGCTGGGATTACAGGCG-3'